The following is an entry in ClinVar:

NM_015629.4(PRPF31):c.773C>T (p.Thr258Met)

Gene: PRPF31 (pre-mRNA processing factor 31; plus strand). Cytogenetic location: 19q13.42.
Variant type: single nucleotide variant.
Coding change: c.773C>T on transcript NM_015629.4 (MANE Select); coding-DNA position 773, C replaced by T.
Protein change: p.Thr258Met; replaces threonine 258 with methionine.
Molecular consequence: missense variant.
Genome position (GRCh38, 1-based): chr19:54,124,574, C>T. VCF-style: chr19-54124574-C-T. GRCh37 (hg19) VCF-style: chr19-54627953-C-T.
Other names: short protein forms T258M.
Identifiers: ClinVar variation 1446970 (VCV001446970.7), dbSNP rs2073874603, ClinGen allele CA407751219.

ClinVar aggregate classification (germline): Uncertain significance. Review status: criteria provided, multiple submitters, no conflicts (2 of 4 stars). 2 submissions from 2 submitters: Uncertain significance (2). Last evaluated 2022-12-01.

Allele frequency attached by ClinVar (database versions not stated): gnomAD exomes below 0.00001; gnomAD 0.00001.
gnomAD v4.1: 6 of 1,613,216 alleles (0.00037%); highest among the groups gnomAD compares: East Asian, 0.0022%; no homozygotes.

Submissions (2):

Blueprint Genetics
Classification: Uncertain significance. Last evaluated: 2022-12-01. Review status: criteria provided, single submitter. Criteria: ACMG Guidelines, 2015. Collection method: clinical testing. Allele origin: germline.

Labcorp Genetics (formerly Invitae), Labcorp
Classification: Uncertain significance. Last evaluated: 2021-11-11. Review status: criteria provided, single submitter. Criteria: Invitae Variant Classification Sherloc (09022015). Collection method: clinical testing. Allele origin: germline.
Comment: In summary, the available evidence is currently insufficient to determine the role of this variant in disease. Therefore, it has been classified as a Variant of Uncertain Significance. Algorithms developed to predict the effect of missense changes on protein structure and function (SIFT, PolyPhen-2, Align-GVGD) all suggest that this variant is likely to be tolerated. This variant has not been reported in the literature in individuals affected with PRPF31-related conditions. This variant is not present in population databases (gnomAD no frequency). This sequence change replaces threonine, which is neutral and polar, with methionine, which is neutral and non-polar, at codon 258 of the PRPF31 protein (p.Thr258Met).